The following is an entry in ClinVar:

NM_012330.4(KAT6B):c.5950A>G (p.Met1984Val)

Gene: KAT6B (lysine acetyltransferase 6B; plus strand). Cytogenetic location: 10q22.2.
Variant type: single nucleotide variant.
Coding change: c.5950A>G on transcript NM_012330.4 (MANE Select); coding-DNA position 5950, A replaced by G.
Protein change: p.Met1984Val; replaces methionine 1984 with valine.
Molecular consequence: missense variant.
Genome position (GRCh38, 1-based): chr10:75,030,774, A>G. VCF-style: chr10-75030774-A-G. GRCh37 (hg19) VCF-style: chr10-76790532-A-G.
Other names: c.5401A>G, p.Met1801Val (NM_001256468.2, NM_001370138.1); c.5074A>G, p.Met1692Val (NM_001256469.2, NM_001370139.1, NM_001370140.1 and 2 more transcripts); c.4912A>G, p.Met1638Val (NM_001370132.1); c.4261A>G, p.Met1421Val (NM_001370133.1); c.3865A>G, p.Met1289Val (NM_001370134.1); c.3607A>G, p.Met1203Val (NM_001370135.1); c.5950A>G, p.Met1984Val (NM_001370136.1, NM_001370137.1); c.4885A>G, p.Met1629Val (NM_001370143.1, NM_001370144.1); short protein forms M1638V, M1692V, M1421V, M1984V, M1203V, M1289V, M1629V, M1801V.
Identifiers: ClinVar variation 2191794 (VCV002191794.4), dbSNP rs866857179, ClinGen allele CA209711264.

ClinVar aggregate classification (germline): Uncertain significance (1 of 4 stars; one submission).

Conditions:
Genitopatellar syndrome (GTPTS). Also called: Genitopatellar syndrome (GPS); ABSENT PATELLAE, SCROTAL HYPOPLASIA, RENAL ANOMALIES, FACIAL DYSMORPHISM, AND MENTAL RETARDATION. Identifiers: Orphanet 85201, MedGen C1853566, MONDO:0011640, OMIM 606170.

Allele frequency attached by ClinVar (database versions not stated): gnomAD exomes below 0.00001.

Submission:

Labcorp Genetics (formerly Invitae), Labcorp
Classification: Uncertain significance for Genitopatellar syndrome. Last evaluated: 2022-08-27. Review status: criteria provided, single submitter. Criteria: Invitae Variant Classification Sherloc (09022015). Collection method: clinical testing. Allele origin: germline.
Comment: In summary, the available evidence is currently insufficient to determine the role of this variant in disease. Therefore, it has been classified as a Variant of Uncertain Significance. Algorithms developed to predict the effect of missense changes on protein structure and function are either unavailable or do not agree on the potential impact of this missense change (SIFT: "Deleterious"; PolyPhen-2: "Benign"; Align-GVGD: "Class C0"). This variant has not been reported in the literature in individuals affected with KAT6B-related conditions. This variant is not present in population databases (gnomAD no frequency). This sequence change replaces methionine, which is neutral and non-polar, with valine, which is neutral and non-polar, at codon 1984 of the KAT6B protein (p.Met1984Val).